The following is an entry in ClinVar:

ClinVar aggregate classification (germline): Likely benign. Review status: criteria provided, multiple submitters, no conflicts (2 of 4 stars). 3 submissions from 3 submitters: Likely benign (2). 1 of the submissions does not count toward it. Last evaluated 2025-01-01.

Conditions:
IRAK1-related disorder. Also called: IRAK1-related condition.

gnomAD v4.1: 207 of 1,210,868 alleles (0.017%); highest among the groups gnomAD compares: Middle Eastern, 0.46%; 1 homozygote.

Submissions (3):

CeGaT Center for Human Genetics Tuebingen
Classification: Likely benign. Last evaluated: 2025-01-01. Review status: criteria provided, single submitter. Criteria: CeGaT Center For Human Genetics Tuebingen Variant Classification Criteria Version 2. Collection method: clinical testing. Allele origin: germline. Affected: yes. Observed: 1 variant allele.
Comment: IRAK1: BS2

Blueprint Genetics
Classification: Likely benign. Last evaluated: 2024-09-09. Review status: criteria provided, single submitter. Criteria: ACMG Guidelines, 2015. Collection method: clinical testing. Allele origin: germline.

PreventionGenetics, part of Exact Sciences
Classification: Likely benign for IRAK1-related condition. Last evaluated: 2024-04-11. Review status: no assertion criteria provided. Collection method: clinical testing. Allele origin: germline. Not counted in ClinVar's aggregate classification.
Comment: This variant is classified as likely benign based on ACMG/AMP sequence variant interpretation guidelines (Richards et al. 2015 PMID: 25741868, with internal and published modifications).

NM_001569.4(IRAK1):c.1106G>A (p.Gly369Glu)

Gene: IRAK1 (interleukin 1 receptor associated kinase 1; minus strand). Cytogenetic location: Xq28.
Variant type: single nucleotide variant.
Coding change: c.1106G>A on transcript NM_001569.4 (MANE Select); coding-DNA position 1106, G replaced by A.
Protein change: p.Gly369Glu; replaces glycine 369 with glutamic acid.
Molecular consequence: missense variant.
Genome position (GRCh38, 1-based): chrX:154,016,567, C>T on the plus strand (G>A on the coding strand, the complement: IRAK1 is on the minus strand). VCF-style: chrX-154016567-C-T. GRCh37 (hg19) VCF-style: chrX-153282018-C-T.
Other names: c.1106G>A, p.Gly369Glu (NM_001025242.2, NM_001025243.2); c.1184G>A, p.Gly395Glu (NM_001410701.1); short protein forms G369E, G395E.
Identifiers: ClinVar variation 3352900 (VCV003352900.15).
Genomic context (GRCh38, chrX:154,016,567, plus strand): 5'-GCCAGGGTGCCCCGCACTGTCTGTGTCCGGGCCACCATGCTGCTCTGGCTGGGGCTGGAC[C>T]CGGCAAAGCGGCTGAACCGGGCCAGGCCAAAGTCTCCCAGCTTGGGTGTCAGCCTCTCAT-3'
Protein context (NP_001560.2, residues 359-379): FGLARFSRFA[Gly369Glu]SSPSQSSMVA